The following is an entry in ClinVar:

NM_133510.4(RAD51B):c.1048C>T (p.Pro350Ser)

Gene: RAD51B (RAD51 paralog B; plus strand). Cytogenetic location: 14q24.1.
Variant type: single nucleotide variant.
Coding change: c.1048C>T on transcript NM_133510.4 (MANE Select); coding-DNA position 1048, C replaced by T.
Protein change: p.Pro350Ser; replaces proline 350 with serine.
Molecular consequence: missense variant. On other transcripts: intron variant (9).
Genome position (GRCh38, 1-based): chr14:68,477,659, C>T. VCF-style: chr14-68477659-C-T. GRCh37 (hg19) VCF-style: chr14-68944376-C-T.
Other names: c.691C>T, p.Pro231Ser (NM_001321817.2); c.1036+9409C>T (NM_001321818.2, NM_001321809.2, NM_001321821.2 and 5 more transcripts); c.922+9409C>T (NM_001321815.1); short protein forms P350S, P231S.
Identifiers: ClinVar variation 3786369 (VCV003786369.1).
Genomic context (GRCh38, chr14:68,477,659, plus strand): 5'-TAACAATTTTTTTTTTTCAAACTTTCTCTTTTTTTTTTTTTTCCTTTAGGCCAAGAGAAG[C>T]CATAGGGATACTGTGACCTTTGTCTAGAGTTGATGGGGGTGTGATTTGTGAAATAAAACA-3'
Protein context (NP_598194.1, residues 340-350): EGLVLQGQEK[Pro350Ser]

ClinVar aggregate classification (germline): Uncertain significance (1 of 4 stars; one submission).

Submission:

Ambry Genetics
Classification: Uncertain significance. Last evaluated: 2024-12-12. Review status: criteria provided, single submitter. Criteria: Ambry Variant Classification Scheme 2023. Collection method: clinical testing. Allele origin: germline.
Comment: The p.P350S variant (also known as c.1048C>T), located in coding exon 10 of the RAD51B gene, results from a C to T substitution at nucleotide position 1048. The proline at codon 350 is replaced by serine, an amino acid with similar properties. This amino acid position is conserved. In addition, this alteration is predicted to be tolerated by in silico analysis. Based on the available evidence, the clinical significance of this variant remains unclear.